The following is an entry in ClinVar:

NM_001130144.3(LTBP3):c.1721-3C>T

Gene: LTBP3 (latent transforming growth factor beta binding protein 3; minus strand). Cytogenetic location: 11q13.1.
Variant type: single nucleotide variant.
Coding change: c.1721-3C>T on transcript NM_001130144.3 (MANE Select); 3 bases into the intron before coding-DNA position 1721, C replaced by T.
Molecular consequence: intron variant.
Genome position (GRCh38, 1-based): chr11:65,548,048, G>A on the plus strand (C>T on the coding strand, the complement: LTBP3 is on the minus strand). VCF-style: chr11-65548048-G-A. GRCh37 (hg19) VCF-style: chr11-65315519-G-A.
Other names: c.1370-3C>T (NM_001164266.1); c.1721-3C>T (NM_021070.4).
Identifiers: ClinVar variation 4690888 (VCV004690888.1).

ClinVar aggregate classification (germline): Uncertain significance (1 of 4 stars; one submission).

Conditions:
Brachyolmia-amelogenesis imperfecta syndrome. Also called: Tooth agenesis, selective, 6; Dental anomalies and short stature; PLATYSPONDYLY WITH AMELOGENESIS IMPERFECTA. Identifiers: Orphanet 2899, MedGen C1832594, MONDO:0011018, OMIM 601216. Disease mechanism: loss of function.

Submission:

Labcorp Genetics (formerly Invitae), Labcorp
Classification: Uncertain significance for Brachyolmia-amelogenesis imperfecta syndrome. Last evaluated: 2025-08-05. Review status: criteria provided, single submitter. Criteria: Invitae Variant Classification Sherloc (09022015). Collection method: clinical testing. Allele origin: germline.
Comment: This sequence change falls in intron 11 of the LTBP3 gene. It does not directly change the encoded amino acid sequence of the LTBP3 protein. It affects a nucleotide within the consensus splice site. This variant is present in population databases (rs527932881, gnomAD 0.01%). This variant has not been reported in the literature in individuals affected with LTBP3-related conditions. Variants that disrupt the consensus splice site are a relatively common cause of aberrant splicing (PMID: 17576681, 9536098). Algorithms developed to predict the effect of sequence changes on RNA splicing suggest that this variant is not likely to affect RNA splicing. In summary, the available evidence is currently insufficient to determine the role of this variant in disease. Therefore, it has been classified as a Variant of Uncertain Significance.

Literature cited by the submitters: PubMed 17576681; PubMed 9536098.